The following is an entry in ClinVar:

ClinVar aggregate classification (germline): Uncertain significance (1 of 4 stars; one submission).

Conditions:
Inborn genetic diseases. Identifiers: MedGen C0950123, MeSH D030342.

Submission:

Ambry Genetics
Classification: Uncertain significance for Inborn genetic diseases. Last evaluated: 2025-07-15. Review status: criteria provided, single submitter. Criteria: Ambry Variant Classification Scheme 2023. Collection method: clinical testing. Allele origin: germline.
Comment: The p.Q201H variant (also known as c.603G>T), located in coding exon 5 of the HAX1 gene, results from a G to T substitution at nucleotide position 603. The glutamine at codon 201 is replaced by histidine, an amino acid with highly similar properties. This amino acid position is conserved. In addition, this alteration is predicted to be tolerated by in silico analysis. Based on the available evidence, the clinical significance of this variant remains unclear.

NM_006118.4(HAX1):c.603G>T (p.Gln201His)

Gene: HAX1 (HCLS1 associated protein X-1; plus strand). Cytogenetic location: 1q21.3.
Variant type: single nucleotide variant.
Coding change: c.603G>T on transcript NM_006118.4 (MANE Select); coding-DNA position 603, G replaced by T.
Protein change: p.Gln201His; replaces glutamine 201 with histidine.
Molecular consequence: missense variant.
Genome position (GRCh38, 1-based): chr1:154,275,200, G>T. VCF-style: chr1-154275200-G-T. GRCh37 (hg19) VCF-style: chr1-154247676-G-T.
Other names: c.459G>T, p.Gln153His (NM_001018837.2); short protein forms Q153H, Q201H.
Identifiers: ClinVar variation 4269030 (VCV004269030.1).